The following is an entry in ClinVar:

NM_004370.6(COL12A1):c.2842A>T (p.Thr948Ser)

Gene: COL12A1 (collagen type XII alpha 1 chain; minus strand). Cytogenetic location: 6q13.
Variant type: single nucleotide variant.
Coding change: c.2842A>T on transcript NM_004370.6 (MANE Select); coding-DNA position 2842, A replaced by T.
Protein change: p.Thr948Ser; replaces threonine 948 with serine.
Molecular consequence: missense variant. On other transcripts: intron variant (1).
Genome position (GRCh38, 1-based): chr6:75,165,648, T>A on the plus strand (A>T on the coding strand, the complement: COL12A1 is on the minus strand). VCF-style: chr6-75165648-T-A. GRCh37 (hg19) VCF-style: chr6-75875364-T-A.
Other names: c.74-13166A>T (NM_080645.3); short protein forms T948S.
Identifiers: ClinVar variation 1439069 (VCV001439069.8), dbSNP rs932009209, ClinGen allele CA141017330.

ClinVar aggregate classification (germline): Uncertain significance (1 of 4 stars; one submission).

Conditions:
Ullrich congenital muscular dystrophy 2 (UCMD2). Identifiers: Orphanet 75840, MedGen C4225314, MONDO:0014654, OMIM 616470.
Bethlem myopathy 2 (BTHLM2). Identifiers: Orphanet 536516, Orphanet 610, MedGen C4225313, MONDO:0034022, OMIM 616471.

Allele frequency attached by ClinVar (database versions not stated): gnomAD exomes below 0.00001; gnomAD 0.00002; TOPMed 0.00003.
gnomAD v4.1: 4 of 1,613,938 alleles (0.00025%); highest among the groups gnomAD compares: African/African-American, 0.0053%; no homozygotes.

Submission:

Labcorp Genetics (formerly Invitae), Labcorp
Classification: Uncertain significance for Bethlem myopathy 2; Ullrich congenital muscular dystrophy 2. Last evaluated: 2022-12-02. Review status: criteria provided, single submitter. Criteria: Invitae Variant Classification Sherloc (09022015). Collection method: clinical testing. Allele origin: germline.
Comment: This sequence change replaces threonine, which is neutral and polar, with serine, which is neutral and polar, at codon 948 of the COL12A1 protein (p.Thr948Ser). This variant is present in population databases (no rsID available, gnomAD 0.008%). In summary, the available evidence is currently insufficient to determine the role of this variant in disease. Therefore, it has been classified as a Variant of Uncertain Significance. Advanced modeling of protein sequence and biophysical properties (such as structural, functional, and spatial information, amino acid conservation, physicochemical variation, residue mobility, and thermodynamic stability) performed at Invitae indicates that this missense variant is not expected to disrupt COL12A1 protein function. ClinVar contains an entry for this variant (Variation ID: 1439069). This variant has not been reported in the literature in individuals affected with COL12A1-related conditions.